The following is an entry in ClinVar:

ClinVar aggregate classification (germline): Uncertain significance (1 of 4 stars; one submission).

Submission:

GeneDx
Classification: Uncertain significance. Last evaluated: 2024-09-09. Review status: criteria provided, single submitter. Criteria: GeneDx Variant Classification Process June 2021. Collection method: clinical testing. Allele origin: germline. Affected: yes.
Comment: Not observed at significant frequency in large population cohorts (gnomAD); In silico analysis supports that this missense variant has a deleterious effect on protein structure/function; Has not been previously published as pathogenic or benign to our knowledge

NM_006186.4(NR4A2):c.911A>G (p.Asn304Ser)

Gene: NR4A2 (nuclear receptor subfamily 4 group A member 2; minus strand). Cytogenetic location: 2q24.1.
Variant type: single nucleotide variant.
Coding change: c.911A>G on transcript NM_006186.4 (MANE Select); coding-DNA position 911, A replaced by G.
Protein change: p.Asn304Ser; replaces asparagine 304 with serine.
Molecular consequence: missense variant.
Genome position (GRCh38, 1-based): chr2:156,328,487, T>C on the plus strand (A>G on the coding strand, the complement: NR4A2 is on the minus strand). VCF-style: chr2-156328487-T-C. GRCh37 (hg19) VCF-style: chr2-157184999-T-C.
Other names: c.722A>G, p.Asn241Ser (NM_173173.3); short protein forms N241S, N304S.
Identifiers: ClinVar variation 3767416 (VCV003767416.1).